The following is an entry in ClinVar:

NM_001387430.1(SH2B1):c.684T>A (p.Phe228Leu)

Gene: SH2B1 (SH2B adaptor protein 1; plus strand). Cytogenetic location: 16p11.2.
Variant type: single nucleotide variant.
Coding change: c.684T>A on transcript NM_001387430.1 (MANE Select); coding-DNA position 684, T replaced by A.
Protein change: p.Phe228Leu; replaces phenylalanine 228 with leucine.
Molecular consequence: missense variant. On other transcripts: intron variant (1).
Genome position (GRCh38, 1-based): chr16:28,866,778, T>A. VCF-style: chr16-28866778-T-A. GRCh37 (hg19) VCF-style: chr16-28878099-T-A.
Other names: c.684T>A, p.Phe228Leu (NM_001145795.2, NM_001145796.2, NM_001145797.2 and 4 more transcripts); c.-26-596T>A (NM_001308294.2); short protein forms F228L.
Identifiers: ClinVar variation 4998594 (VCV004998594.1).

ClinVar aggregate classification (germline): Uncertain significance (1 of 4 stars; one submission).

Conditions:
SH2B1-related disorder. Also called: SH2B1-related condition.

Submission:

PreventionGenetics, part of Exact Sciences
Classification: Uncertain significance for SH2B1-related condition. Last evaluated: 2025-01-22. Review status: criteria provided, single submitter. Criteria: ACMG Guidelines, 2015. Collection method: clinical testing. Allele origin: germline.
Comment: The SH2B1 c.684T>A variant is predicted to result in the amino acid substitution p.Phe228Leu. To our knowledge, this variant has not been reported in the literature or in a large population database (gnomAD), indicating this variant is rare. At this time, the clinical significance of this variant is uncertain due to the absence of conclusive functional and genetic evidence.